The following is an entry in ClinVar:

NM_001370259.2(MEN1):c.82G>A (p.Gly28Ser)

Gene: MEN1 (menin 1; minus strand). Cytogenetic location: 11q13.1.
Variant type: single nucleotide variant.
Coding change: c.82G>A on transcript NM_001370259.2 (MANE Select); coding-DNA position 82, G replaced by A.
Protein change: p.Gly28Ser; replaces glycine 28 with serine.
Molecular consequence: missense variant.
Genome position (GRCh38, 1-based): chr11:64,810,028, C>T on the plus strand (G>A on the coding strand, the complement: MEN1 is on the minus strand). VCF-style: chr11-64810028-C-T. GRCh37 (hg19) VCF-style: chr11-64577500-C-T.
Other names: c.82G>A, p.Gly28Ser (NM_130803.3, NM_130804.3, NM_001370263.2 and 9 more transcripts); short protein forms G28S.
Identifiers: ClinVar variation 850670 (VCV000850670.11), dbSNP rs953827589, ClinGen allele CA381188038.

ClinVar aggregate classification (germline): Uncertain significance. Review status: criteria provided, multiple submitters, no conflicts (2 of 4 stars). 2 submissions from 2 submitters: Uncertain significance (2). Last evaluated 2024-05-22.

Conditions:
Multiple endocrine neoplasia, type 1 (MEN1). Also called: MEN I; WERMER SYNDROME; Endocrine adenomatosis multiple; MEN 1; MEA I. Identifiers: Orphanet 652, MedGen C0025267, MeSH D018761, MONDO:0007540, OMIM 131100.
Hereditary cancer-predisposing syndrome. Also called: Neoplastic Syndromes, Hereditary; Hereditary Cancer Syndrome; Hereditary neoplastic syndrome; Tumor predisposition. Identifiers: Orphanet 140162, MedGen C0027672, MeSH D009386, MONDO:0015356.

gnomAD v4.1: 6 of 1,609,340 alleles (0.00037%); highest among the groups gnomAD compares: Non-Finnish European, 0.00051%; no homozygotes.

Submissions (2):

Labcorp Genetics (formerly Invitae), Labcorp
Classification: Uncertain significance for Multiple endocrine neoplasia, type 1. Last evaluated: 2024-05-22. Review status: criteria provided, single submitter. Criteria: Invitae Variant Classification Sherloc (09022015). Collection method: clinical testing. Allele origin: germline.
Comment: This sequence change replaces glycine, which is neutral and non-polar, with serine, which is neutral and polar, at codon 28 of the MEN1 protein (p.Gly28Ser). This variant is not present in population databases (gnomAD no frequency). This variant has not been reported in the literature in individuals affected with MEN1-related conditions. ClinVar contains an entry for this variant (Variation ID: 850670). Advanced modeling of protein sequence and biophysical properties (such as structural, functional, and spatial information, amino acid conservation, physicochemical variation, residue mobility, and thermodynamic stability) has been performed at Invitae for this missense variant, however the output from this modeling did not meet the statistical confidence thresholds required to predict the impact of this variant on MEN1 protein function. In summary, the available evidence is currently insufficient to determine the role of this variant in disease. Therefore, it has been classified as a Variant of Uncertain Significance.

Ambry Genetics
Classification: Uncertain significance for Hereditary cancer-predisposing syndrome. Last evaluated: 2022-11-04. Review status: criteria provided, single submitter. Criteria: Ambry Variant Classification Scheme 2023. Collection method: clinical testing. Allele origin: germline.
Comment: The p.G28S variant (also known as c.82G>A), located in coding exon 1 of the MEN1 gene, results from a G to A substitution at nucleotide position 82. The glycine at codon 28 is replaced by serine, an amino acid with similar properties. This amino acid position is conserved. In addition, the in silico prediction for this alteration is inconclusive. Since supporting evidence is limited at this time, the clinical significance of this alteration remains unclear.